The following is an entry in ClinVar:

ClinVar aggregate classification (germline): Uncertain significance (1 of 4 stars; one submission).

Allele frequency attached by ClinVar (database versions not stated): gnomAD exomes below 0.00001; gnomAD 0.00001; ExAC 0.00002.

Submission:

Labcorp Genetics (formerly Invitae), Labcorp
Classification: Uncertain significance. Last evaluated: 2021-10-10. Review status: criteria provided, single submitter. Criteria: Invitae Variant Classification Sherloc (09022015). Collection method: clinical testing. Allele origin: germline.
Comment: In summary, the available evidence is currently insufficient to determine the role of this variant in disease. Therefore, it has been classified as a Variant of Uncertain Significance. Algorithms developed to predict the effect of missense changes on protein structure and function are either unavailable or do not agree on the potential impact of this missense change (SIFT: "Not Available"; PolyPhen-2: "Probably Damaging"; Align-GVGD: "Not Available"). This variant has not been reported in the literature in individuals affected with TRAPPC9-related conditions. This variant is present in population databases (rs754241630, ExAC 0.02%). This sequence change replaces valine with methionine at codon 1118 of the TRAPPC9 protein (p.Val1118Met). The valine residue is weakly conserved and there is a small physicochemical difference between valine and methionine.

NM_001160372.4(TRAPPC9):c.3058G>A (p.Val1020Met)

Gene: TRAPPC9 (trafficking protein particle complex subunit 9; minus strand). Cytogenetic location: 8q24.3.
Variant type: single nucleotide variant.
Coding change: c.3058G>A on transcript NM_001160372.4 (MANE Select); coding-DNA position 3058, G replaced by A.
Protein change: p.Val1020Met; replaces valine 1020 with methionine.
Molecular consequence: missense variant. On other transcripts: non-coding transcript variant (1).
Genome position (GRCh38, 1-based): chr8:139,732,200, C>T on the plus strand (G>A on the coding strand, the complement: TRAPPC9 is on the minus strand). VCF-style: chr8-139732200-C-T. GRCh37 (hg19) VCF-style: chr8-140744443-C-T.
Other names: c.3031G>A, p.Val1011Met (NM_001321646.2); c.3079G>A, p.Val1027Met (NM_001374682.1); c.2947G>A, p.Val983Met (NM_001374683.1); c.2914G>A, p.Val972Met (NM_001374684.1); c.3058G>A, p.Val1020Met (NM_031466.8); short protein forms V972M, V1020M, V983M, V1011M, V1027M.
Identifiers: ClinVar variation 1490847 (VCV001490847.6), dbSNP rs754241630, ClinGen allele CA4892818.